The following is an entry in ClinVar:

NM_001106.4(ACVR2B):c.*476C>T

Gene: ACVR2B (activin A receptor type 2B; plus strand). Cytogenetic location: 3p22.2.
Variant type: single nucleotide variant.
Coding change: c.*476C>T on transcript NM_001106.4 (MANE Select); 476 bases downstream of the stop codon, C replaced by T.
Molecular consequence: 3 prime UTR variant.
Genome position (GRCh38, 1-based): chr3:38,483,808, C>T. VCF-style: chr3-38483808-C-T. GRCh37 (hg19) VCF-style: chr3-38525299-C-T.
Identifiers: ClinVar variation 344931 (VCV000344931.5), dbSNP rs79453833, ClinGen allele CA10616234.
Genomic context (GRCh38, chr3:38,483,808, plus strand): 5'-ACCTAGAGGAACCTTTGAAGACTGTTACATAAGAACATACCTTCCTCAGAAGAGGAGTTT[C>T]CTCTGCCCTCTGCCCTTCTCCCCTGCCTCCCTCCCTCCCCTCCTTTTATTTTGTTTTAGT-3'

ClinVar aggregate classification (germline): Benign (1 of 4 stars; one submission).

Conditions:
Heterotaxy, visceral, 4, autosomal (HTX4). Identifiers: Orphanet 450, MedGen C3151057, MONDO:0013403, OMIM 613751.

Allele frequency attached by ClinVar (database versions not stated): gnomAD 0.00525 and 0.00560; TOPMed 0.00569; 1000 Genomes Project 0.00739; 1000 Genomes Project 30x 0.00796.

Submission:

Illumina Laboratory Services, Illumina
Classification: Benign for Heterotaxy, visceral, 4, autosomal. Last evaluated: 2018-01-12. Review status: criteria provided, single submitter. Criteria: ICSL Variant Classification Criteria 13 December 2019. Collection method: clinical testing. Allele origin: germline.
Comment: This variant was observed in the ICSL laboratory as part of a predisposition screen in an ostensibly healthy population. It had not been previously curated by ICSL or reported in the Human Gene Mutation Database (HGMD: prior to June 1st, 2018), and was therefore a candidate for classification through an automated scoring system. Utilizing variant allele frequency, disease prevalence and penetrance estimates, and inheritance mode, an automated score was calculated to assess if this variant is too frequent to cause the disease. Based on the score and internal cut-off values, a variant classified as benign is not then subjected to further curation. The score for this variant resulted in a classification of benign for this disease.